The following is an entry in ClinVar:

NM_005908.4(MANBA):c.1317+1G>C

Gene: MANBA (mannosidase beta; minus strand). Cytogenetic location: 4q24.
Variant type: single nucleotide variant.
Coding change: c.1317+1G>C on transcript NM_005908.4 (MANE Select); the canonical splice donor site of the intron after coding-DNA position 1317, G replaced by C.
Molecular consequence: splice donor variant.
Genome position (GRCh38, 1-based): chr4:102,668,962, C>G on the plus strand (G>C on the coding strand, the complement: MANBA is on the minus strand). VCF-style: chr4-102668962-C-G. GRCh37 (hg19) VCF-style: chr4-103590119-C-G.
Identifiers: ClinVar variation 4715225 (VCV004715225.1).
Genomic context (GRCh38, chr4:102,668,962, plus strand): 5'-CAAAAGGCAATACTAAAACATATTATTTGTTTTATTTCTTCTTGGAAGGGTAGTAACATA[C>G]CTGGTAGGCAACTTCTGCTGTCACTGAATCCAGGAAGCCCTGATCAGTTGGATAAAGGGC-3'

ClinVar aggregate classification (germline): Pathogenic (1 of 4 stars; one submission).

Conditions:
Beta-D-mannosidosis (MANSB). Also called: MANNOSIDOSIS, BETA A, LYSOSOMAL; BETA-MANNOSIDASE DEFICIENCY; LYSOSOMAL BETA-MANNOSIDASE DEFICIENCY; Beta-Mannosidosis. Identifiers: Orphanet 118, MedGen C4048196, MONDO:0009562, OMIM 248510.

gnomAD v4.1: 2 of 1,607,096 alleles (0.00012%); highest among the groups gnomAD compares: East Asian, 0.0022%; no homozygotes.

Submission:

Labcorp Genetics (formerly Invitae), Labcorp
Classification: Pathogenic for Beta-D-mannosidosis. Last evaluated: 2025-03-16. Review status: criteria provided, single submitter. Criteria: Invitae Variant Classification Sherloc (09022015). Collection method: clinical testing. Allele origin: germline.
Comment: This sequence change affects a donor splice site in intron 10 of the MANBA gene. It is expected to disrupt RNA splicing. Variants that disrupt the donor or acceptor splice site typically lead to a loss of protein function (PMID: 16199547), and loss-of-function variants in MANBA are known to be pathogenic (PMID: 9384606, 12468273). This variant is present in population databases (rs566036784, gnomAD 0.006%). Disruption of this splice site has been observed in individual(s) with beta-mannosidosis (PMID: 35018184). Algorithms developed to predict the effect of sequence changes on RNA splicing suggest that this variant may disrupt the consensus splice site. For these reasons, this variant has been classified as Pathogenic.

Literature cited by the submitters: PubMed 16199547; PubMed 9384606; PubMed 12468273; PubMed 35018184.